The following is an entry in ClinVar:

NM_000183.3(HADHB):c.150T>A (p.Asn50Lys)

Gene: HADHB (hydroxyacyl-CoA dehydrogenase trifunctional multienzyme complex subunit beta; plus strand). Cytogenetic location: 2p23.3.
Variant type: single nucleotide variant.
Coding change: c.150T>A on transcript NM_000183.3 (MANE Select); coding-DNA position 150, T replaced by A.
Protein change: p.Asn50Lys; replaces asparagine 50 with lysine.
Molecular consequence: missense variant.
Genome position (GRCh38, 1-based): chr2:26,263,420, T>A. VCF-style: chr2-26263420-T-A. GRCh37 (hg19) VCF-style: chr2-26486288-T-A.
Other names: c.150T>A, p.Asn50Lys (NM_001281512.2); c.84T>A, p.Asn28Lys (NM_001281513.2); short protein forms N28K, N50K.
Identifiers: ClinVar variation 2123901 (VCV002123901.4), dbSNP rs1398500041, ClinGen allele CA346104725.

ClinVar aggregate classification (germline): Uncertain significance (1 of 4 stars; one submission).

Conditions:
Mitochondrial trifunctional protein deficiency. Identifiers: Orphanet 746, MedGen C1969443, MONDO:0012172.

gnomAD v4.1: 5 of 1,613,418 alleles (0.00031%); highest among the groups gnomAD compares: Non-Finnish European, 0.00042%; no homozygotes.

Submission:

Labcorp Genetics (formerly Invitae), Labcorp
Classification: Uncertain significance for Mitochondrial trifunctional protein deficiency. Last evaluated: 2022-11-07. Review status: criteria provided, single submitter. Criteria: Invitae Variant Classification Sherloc (09022015). Collection method: clinical testing. Allele origin: germline.
Comment: This sequence change replaces asparagine, which is neutral and polar, with lysine, which is basic and polar, at codon 50 of the HADHB protein (p.Asn50Lys). This variant is not present in population databases (gnomAD no frequency). This variant has not been reported in the literature in individuals affected with HADHB-related conditions. Algorithms developed to predict the effect of missense changes on protein structure and function (SIFT, PolyPhen-2, Align-GVGD) all suggest that this variant is likely to be tolerated. In summary, the available evidence is currently insufficient to determine the role of this variant in disease. Therefore, it has been classified as a Variant of Uncertain Significance.